The following is an entry in ClinVar:

NM_020693.4(DSCAML1):c.13A>G (p.Thr5Ala)

Gene: DSCAML1 (DS cell adhesion molecule like 1; minus strand). Cytogenetic location: 11q23.3.
Variant type: single nucleotide variant.
Coding change: c.13A>G on transcript NM_020693.4 (MANE Select); coding-DNA position 13, A replaced by G.
Protein change: p.Thr5Ala; replaces threonine 5 with alanine.
Molecular consequence: missense variant. On other transcripts: intron variant (1).
Genome position (GRCh38, 1-based): chr11:117,797,067, T>C on the plus strand (A>G on the coding strand, the complement: DSCAML1 is on the minus strand). VCF-style: chr11-117797067-T-C. GRCh37 (hg19) VCF-style: chr11-117667782-T-C.
Other names: c.13A>G, p.Thr5Ala (NM_001367904.1); c.-362-16257A>G (NM_001367905.1); short protein forms T5A.
Identifiers: ClinVar variation 1919738 (VCV001919738.5), dbSNP rs142888916, ClinGen allele CA6297680.

ClinVar aggregate classification (germline): Uncertain significance (1 of 4 stars; one submission).

Allele frequency attached by ClinVar (database versions not stated): gnomAD exomes below 0.00001; ExAC 0.00002; TOPMed 0.00005; gnomAD 0.00006; ESP Exome Variant Server 0.00015.
gnomAD v4.1: 16 of 1,577,860 alleles (0.001%); highest among the groups gnomAD compares: African/African-American, 0.017%; no homozygotes.

Submission:

Labcorp Genetics (formerly Invitae), Labcorp
Classification: Uncertain significance. Last evaluated: 2025-10-26. Review status: criteria provided, single submitter. Criteria: Invitae Variant Classification Sherloc (09022015). Collection method: clinical testing. Allele origin: germline.
Comment: This sequence change replaces threonine, which is neutral and polar, with alanine, which is neutral and non-polar, at codon 65 of the DSCAML1 protein (p.Thr65Ala). This variant is present in population databases (rs142888916, gnomAD 0.02%). This variant has not been reported in the literature in individuals affected with DSCAML1-related conditions. ClinVar contains an entry for this variant (Variation ID: 1919738). An algorithm developed to predict the effect of missense changes on protein structure and function (PolyPhen-2) suggests that this variant is likely to be tolerated. In summary, the available evidence is currently insufficient to determine the role of this variant in disease. Therefore, it has been classified as a Variant of Uncertain Significance.